The following is an entry in ClinVar:

NM_004408.4(DNM1):c.1468C>G (p.His490Asp)

Gene: DNM1 (dynamin 1; plus strand). Cytogenetic location: 9q34.11.
Variant type: single nucleotide variant.
Coding change: c.1468C>G on transcript NM_004408.4 (MANE Select); coding-DNA position 1468, C replaced by G.
Protein change: p.His490Asp; replaces histidine 490 with aspartic acid.
Molecular consequence: missense variant.
Genome position (GRCh38, 1-based): chr9:128,239,490, C>G. VCF-style: chr9-128239490-C-G. GRCh37 (hg19) VCF-style: chr9-131001769-C-G.
Other names: c.1468C>G, p.His490Asp (NM_001005336.3, NM_001288737.2, NM_001288738.2 and 2 more transcripts); short protein forms H490D.
Identifiers: ClinVar variation 1800865 (VCV001800865.1), dbSNP rs2539062273, ClinGen allele CA375024428.
Genomic context (GRCh38, chr9:128,239,490, plus strand): 5'-TATGTATCCTTGAAGGTCATGCTTCTCATCGATATCGAGCTGGCTTACATGAACACCAAC[C>G]ATGAGGACTTCATAGGCTTTGCCAAGTGAGTGCTCCCCCAGGCAAAAAGTGAGTGCTCCC-3'
Protein context (NP_004399.2, residues 480-500): DIELAYMNTN[His490Asp]EDFIGFANAQ

ClinVar aggregate classification (germline): Uncertain significance (1 of 4 stars; one submission).

Submission:

GeneDx
Classification: Uncertain significance. Last evaluated: 2022-05-25. Review status: criteria provided, single submitter. Criteria: GeneDx Variant Classification Process June 2021. Collection method: clinical testing. Allele origin: germline. Affected: yes.
Comment: Not observed at significant frequency in large population cohorts (gnomAD); In silico analysis supports that this missense variant has a deleterious effect on protein structure/function; Has not been previously published as pathogenic or benign to our knowledge